The following is an entry in ClinVar:

ClinVar aggregate classification (germline): Uncertain significance. Review status: criteria provided, multiple submitters, no conflicts (2 of 4 stars). 2 submissions from 2 submitters: Uncertain significance (2). Last evaluated 2025-06-14.

Conditions:
Inborn genetic diseases. Identifiers: MedGen C0950123, MeSH D030342.
Mosaic variegated aneuploidy syndrome 2 (MVA2). Identifiers: Orphanet 1052, MedGen C3279843, MONDO:0013582, OMIM 614114.

Allele frequency attached by ClinVar (database versions not stated): gnomAD exomes 0.00001 and 0.00002; ExAC 0.00002; gnomAD 0.00003; TOPMed 0.00003; 1000 Genomes Project 0.00020; 1000 Genomes Project 30x 0.00031.
gnomAD v4.1: 20 of 1,614,094 alleles (0.0012%); highest among the groups gnomAD compares: African/African-American, 0.013%; no homozygotes.

Submissions (2):

Labcorp Genetics (formerly Invitae), Labcorp
Classification: Uncertain significance for Mosaic variegated aneuploidy syndrome 2. Last evaluated: 2025-06-14. Review status: criteria provided, single submitter. Criteria: Invitae Variant Classification Sherloc (09022015). Collection method: clinical testing. Allele origin: germline.
Comment: This sequence change replaces serine, which is neutral and polar, with arginine, which is basic and polar, at codon 343 of the CEP57 protein (p.Ser343Arg). This variant is present in population databases (rs539891523, gnomAD 0.02%). This variant has not been reported in the literature in individuals affected with CEP57-related conditions. ClinVar contains an entry for this variant (Variation ID: 1357666). Invitae Evidence Modeling of protein sequence and biophysical properties (such as structural, functional, and spatial information, amino acid conservation, physicochemical variation, residue mobility, and thermodynamic stability) indicates that this missense variant is not expected to disrupt CEP57 protein function with a negative predictive value of 80%. In summary, the available evidence is currently insufficient to determine the role of this variant in disease. Therefore, it has been classified as a Variant of Uncertain Significance.

Ambry Genetics
Classification: Uncertain significance for Inborn genetic diseases. Last evaluated: 2024-10-04. Review status: criteria provided, single submitter. Criteria: Ambry Variant Classification Scheme 2023. Collection method: clinical testing. Allele origin: germline.
Comment: The p.S343R variant (also known as c.1029T>A), located in coding exon 9 of the CEP57 gene, results from a T to A substitution at nucleotide position 1029. The serine at codon 343 is replaced by arginine, an amino acid with dissimilar properties. This amino acid position is conserved. In addition, this alteration is predicted to be tolerated by in silico analysis. Based on the available evidence, the clinical significance of this variant remains unclear.

NM_014679.5(CEP57):c.1029T>A (p.Ser343Arg)

Gene: CEP57 (centrosomal protein 57; plus strand). Cytogenetic location: 11q21.
Variant type: single nucleotide variant.
Coding change: c.1029T>A on transcript NM_014679.5 (MANE Select); coding-DNA position 1029, T replaced by A.
Protein change: p.Ser343Arg; replaces serine 343 with arginine.
Molecular consequence: missense variant.
Genome position (GRCh38, 1-based): chr11:95,827,929, T>A. VCF-style: chr11-95827929-T-A. GRCh37 (hg19) VCF-style: chr11-95561093-T-A.
Other names: c.1002T>A, p.Ser334Arg (NM_001243776.2); c.951T>A, p.Ser317Arg (NM_001243777.2); c.948T>A, p.Ser316Arg (NM_001363604.2); c.1029T>A (NM_014679.4); short protein forms S316R, S317R, S334R, S343R.
Identifiers: ClinVar variation 1357666 (VCV001357666.10), dbSNP rs539891523, ClinGen allele CA6239665.